The following is an entry in ClinVar:

ClinVar aggregate classification (germline): Uncertain significance (1 of 4 stars; one submission).

gnomAD v4.1: 1 of 1,211,059 alleles (0.000083%); highest among the groups gnomAD compares: Non-Finnish European, 0.00011%; no homozygotes.

Submission:

Ambry Genetics
Classification: Uncertain significance. Last evaluated: 2026-08-17. Review status: criteria provided, single submitter. Criteria: Ambry Variant Classification Scheme 2023. Collection method: clinical testing. Allele origin: germline.
Comment: The c.1067C>A (p.P356H) alteration is located in exon 3 (coding exon 1) of the RAI2 gene. This alteration results from a C to A substitution at nucleotide position 1067, causing the proline (P) at amino acid position 356 to be replaced by a histidine (H). Based on data from gnomAD, the A allele has an overall frequency of <0.001% (1/182987) total alleles studied. The highest observed frequency was 0.001% (1/81535) of European (non-Finnish) alleles. Based on insufficient or conflicting evidence, the clinical significance of this alteration remains unclear.

NM_021785.6(RAI2):c.1067C>A (p.Pro356His)

Gene: RAI2 (retinoic acid induced 2; minus strand). Cytogenetic location: Xp22.13.
Variant type: single nucleotide variant.
Coding change: c.1067C>A on transcript NM_021785.6 (MANE Select); coding-DNA position 1067, C replaced by A.
Protein change: p.Pro356His; replaces proline 356 with histidine.
Molecular consequence: missense variant. On other transcripts: non-coding transcript variant (2).
Genome position (GRCh38, 1-based): chrX:17,800,944, G>T on the plus strand (C>A on the coding strand, the complement: RAI2 is on the minus strand). VCF-style: chrX-17800944-G-T. GRCh37 (hg19) VCF-style: chrX-17819064-G-T.
Other names: c.917C>A, p.Pro306His (NM_001172732.2); c.1067C>A, p.Pro356His (NM_001172739.2, NM_001172743.2); short protein forms P306H, P356H.
Identifiers: ClinVar variation 5027864 (VCV005027864.1).